The following is an entry in ClinVar:

ClinVar aggregate classification (germline): Likely benign (0 of 4 stars; one submission).

Conditions:
MYO5B-related disorder. Also called: MYO5B-related condition.

Submission:

PreventionGenetics, part of Exact Sciences
Classification: Likely benign for MYO5B-related condition. Last evaluated: 2024-06-06. Review status: no assertion criteria provided. Collection method: clinical testing. Allele origin: germline.
Comment: This variant is classified as likely benign based on ACMG/AMP sequence variant interpretation guidelines (Richards et al. 2015 PMID: 25741868, with internal and published modifications).

NM_001080467.3(MYO5B):c.5115T>C (p.Ser1705=)

Genes: MYO5B (myosin VB; minus strand), SNHG22 (small nucleolar RNA host gene 22; plus strand). Cytogenetic location: 18q21.1.
Variant type: single nucleotide variant.
Coding change: c.5115T>C on transcript NM_001080467.3 (MANE Select); coding-DNA position 5115, T replaced by C.
Protein change: p.Ser1705=; no amino-acid change (serine 1705 retained).
Molecular consequence: synonymous variant.
Genome position (GRCh38, 1-based): chr18:49,837,540, A>G on the plus strand (T>C on the coding strand, the complement: MYO5B is on the minus strand). VCF-style: chr18-49837540-A-G. GRCh37 (hg19) VCF-style: chr18-47363910-A-G.
Identifiers: ClinVar variation 3345740 (VCV003345740.1).